The following is an entry in ClinVar:

NM_001287.6(CLCN7):c.2323C>T (p.Arg775Cys)

Gene: CLCN7 (Cl-/H+ antiporter 7; minus strand). Cytogenetic location: 16p13.3.
Variant type: single nucleotide variant.
Coding change: c.2323C>T on transcript NM_001287.6 (MANE Select); coding-DNA position 2323, C replaced by T.
Protein change: p.Arg775Cys; replaces arginine 775 with cysteine.
Molecular consequence: missense variant.
Genome position (GRCh38, 1-based): chr16:1,447,014, G>A on the plus strand (C>T on the coding strand, the complement: CLCN7 is on the minus strand). VCF-style: chr16-1447014-G-A. GRCh37 (hg19) VCF-style: chr16-1497015-G-A.
Other names: c.2323C>T (NM_001287.5); c.2251C>T, p.Arg751Cys (NM_001114331.3); short protein forms R751C, R775C.
Identifiers: ClinVar variation 1057615 (VCV001057615.13), dbSNP rs144511808, ClinGen allele CA7809853.

ClinVar aggregate classification (germline): Conflicting classifications of pathogenicity. Review status: criteria provided, conflicting classifications (1 of 4 stars). 4 submissions from 4 submitters: Uncertain significance (3); Likely benign (1). Last evaluated 2025-06-17.

Conditions:
CLCN7-related disorder. Also called: CLCN7-related condition.

Allele frequency attached by ClinVar (database versions not stated): gnomAD exomes 0.00001; gnomAD 0.00002; TOPMed 0.00003; ExAC 0.00004; ESP Exome Variant Server 0.00008.
gnomAD v4.1: 19 of 1,596,544 alleles (0.0012%); highest among the groups gnomAD compares: African/African-American, 0.0027%; no homozygotes.

Submissions (4):

GeneDx
Classification: Uncertain significance. Last evaluated: 2025-06-17. Review status: criteria provided, single submitter. Criteria: GeneDx Variant Classification Process June 2021. Collection method: clinical testing. Allele origin: germline. Affected: yes.
Comment: In silico analysis supports that this missense variant has a deleterious effect on protein structure/function; Has not been previously published as pathogenic or benign to our knowledge

Labcorp Genetics (formerly Invitae), Labcorp
Classification: Uncertain significance. Last evaluated: 2025-04-17. Review status: criteria provided, single submitter. Criteria: Invitae Variant Classification Sherloc (09022015). Collection method: clinical testing. Allele origin: germline.
Comment: This sequence change replaces arginine, which is basic and polar, with cysteine, which is neutral and slightly polar, at codon 775 of the CLCN7 protein (p.Arg775Cys). The frequency data for this variant in the population databases is considered unreliable, as metrics indicate poor data quality at this position in the gnomAD database. This variant has not been reported in the literature in individuals affected with CLCN7-related conditions. ClinVar contains an entry for this variant (Variation ID: 1057615). Invitae Evidence Modeling of protein sequence and biophysical properties (such as structural, functional, and spatial information, amino acid conservation, physicochemical variation, residue mobility, and thermodynamic stability) indicates that this missense variant is not expected to disrupt CLCN7 protein function with a negative predictive value of 95%. In summary, the available evidence is currently insufficient to determine the role of this variant in disease. Therefore, it has been classified as a Variant of Uncertain Significance.

PreventionGenetics, part of Exact Sciences
Classification: Uncertain significance for CLCN7-related condition. Last evaluated: 2025-03-12. Review status: criteria provided, single submitter. Criteria: ACMG Guidelines, 2015. Collection method: clinical testing. Allele origin: germline.
Comment: The CLCN7 c.2323C>T variant is predicted to result in the amino acid substitution p.Arg775Cys. To our knowledge, this variant has not been reported in the literature. This variant is reported in 0.0035% of alleles in individuals of South Asian descent in gnomAD. At this time, the clinical significance of this variant is uncertain due to the absence of conclusive functional and genetic evidence.

Blueprint Genetics
Classification: Likely benign. Last evaluated: 2022-07-21. Review status: criteria provided, single submitter. Criteria: ACMG Guidelines, 2015. Collection method: clinical testing. Allele origin: germline.